The following is an entry in ClinVar:

NC_000022.10:g.(?_24130008)_(24237293_?)dup

Genes: DERL3 (derlin 3; minus strand), MIF (macrophage migration inhibitory factor; plus strand), SLC2A11 (solute carrier family 2 member 11; plus strand), SMARCB1 (SWI/SNF related BAF chromatin remodeling complex subunit B1; plus strand). Cytogenetic location: 22q11.23.
Variant type: Duplication.
Identifiers: ClinVar variation 2424624 (VCV002424624.3).

ClinVar aggregate classification (germline): Uncertain significance (1 of 4 stars; one submission).

Submission:

Labcorp Genetics (formerly Invitae), Labcorp
Classification: Uncertain significance. Last evaluated: 2022-10-19. Review status: criteria provided, single submitter. Criteria: Invitae Variant Classification Sherloc (09022015). Collection method: clinical testing. Allele origin: germline.
Comment: This variant results in a copy number gain of the genomic region encompassing exon(s) 2-9 of the SMARCB1 gene. This region includes the termination codon of the gene. This copy number gain extends beyond the assayed region for this gene and therefore may encompass additional genes. As the precise location of this event is unknown, it may be in tandem or it may be located elsewhere in the genome. This variant has not been reported in the literature in individuals affected with SMARCB1-related conditions. In summary, the available evidence is currently insufficient to determine the role of this variant in disease. Therefore, it has been classified as a Variant of Uncertain Significance.